The following is an entry in ClinVar:

NM_018429.3(BDP1):c.6462C>T (p.Leu2154=)

Gene: BDP1 (BDP1 general transcription factor IIIB subunit; plus strand). Cytogenetic location: 5q13.2.
Variant type: single nucleotide variant.
Coding change: c.6462C>T on transcript NM_018429.3 (MANE Select); coding-DNA position 6462, C replaced by T.
Protein change: p.Leu2154=; no amino-acid change (leucine 2154 retained).
Molecular consequence: synonymous variant.
Genome position (GRCh38, 1-based): chr5:71,544,406, C>T. VCF-style: chr5-71544406-C-T. GRCh37 (hg19) VCF-style: chr5-70840233-C-T.
Other names: p.Leu2154=.
Identifiers: ClinVar variation 508089 (VCV000508089.6), dbSNP rs182190, ClinGen allele CA3297243.

ClinVar aggregate classification (germline): Benign. Review status: criteria provided, multiple submitters, no conflicts (2 of 4 stars). 4 submissions from 4 submitters: Benign (4). Last evaluated 2021-07-14.

Conditions:
Hearing loss, autosomal recessive 112. Also called: DEAFNESS, AUTOSOMAL RECESSIVE 112. Identifiers: MedGen C4748855, MONDO:0032639, OMIM 618257.

Allele frequency attached by ClinVar (database versions not stated): TOPMed 0.40138; gnomAD 0.41887 and 0.41831; ESP Exome Variant Server 0.42819; 1000 Genomes Project 0.39896; ExAC 0.42655; 1000 Genomes Project 30x 0.39694; gnomAD exomes 0.42127 and 0.45222.
gnomAD v4.1: 724,101 of 1,612,472 alleles (45%); highest among the groups gnomAD compares: South Asian, 48%; 164,799 homozygotes.

Submissions (4):

Genome-Nilou Lab
Classification: Benign for Hearing loss, autosomal recessive 112. Last evaluated: 2021-07-14. Review status: criteria provided, single submitter. Criteria: ACMG Guidelines, 2015. Collection method: clinical testing. Allele origin: germline. Affected: no.

Mayo Clinic Laboratories, Mayo Clinic
Classification: Benign. Last evaluated: 2019-08-13. Review status: criteria provided, single submitter. Criteria: ACMG Guidelines, 2015. Collection method: clinical testing. Allele origin: germline. Observed: 69 variant alleles.

GeneDx
Classification: Benign. Last evaluated: 2017-05-09. Review status: criteria provided, single submitter. Criteria: GeneDx Variant Classification (06012015). Collection method: clinical testing. Allele origin: germline. Affected: yes.
Comment: This variant is considered likely benign or benign based on one or more of the following criteria: it is a conservative change, it occurs at a poorly conserved position in the protein, it is predicted to be benign by multiple in silico algorithms, and/or has population frequency not consistent with disease.

Breakthrough Genomics
Classification: Benign. Review status: criteria provided, single submitter. Criteria: ACMG Guidelines, 2015. Collection method: not provided. Allele origin: germline. Inheritance: Autosomal recessive inheritance. Affected: yes.